The following is an entry in ClinVar:

ClinVar aggregate classification (germline): Uncertain significance (1 of 4 stars; one submission).

gnomAD v4.1: 4 of 1,209,637 alleles (0.00033%); no homozygotes.

Submission:

Labcorp Genetics (formerly Invitae), Labcorp
Classification: Uncertain significance. Last evaluated: 2023-03-14. Review status: criteria provided, single submitter. Criteria: Invitae Variant Classification Sherloc (09022015). Collection method: clinical testing. Allele origin: germline.
Comment: An algorithm developed to predict the effect of missense changes on protein structure and function (PolyPhen-2) suggests that this variant¬¨‚Ä† is likely to be tolerated. In summary, the available evidence is currently insufficient to determine the role of this variant in disease. Therefore, it has been classified as a Variant of Uncertain Significance. This variant has not been reported in the literature in individuals affected with MSN-related conditions. This sequence change replaces lysine, which is basic and polar, with asparagine, which is neutral and polar, at codon 437 of the MSN protein (p.Lys437Asn). This variant is not present in population databases (gnomAD no frequency).

NM_002444.3(MSN):c.1311G>T (p.Lys437Asn)

Gene: MSN (moesin; plus strand). Cytogenetic location: Xq12.
Variant type: single nucleotide variant.
Coding change: c.1311G>T on transcript NM_002444.3 (MANE Select); coding-DNA position 1311, G replaced by T.
Protein change: p.Lys437Asn; replaces lysine 437 with asparagine.
Molecular consequence: missense variant.
Genome position (GRCh38, 1-based): chrX:65,738,584, G>T. VCF-style: chrX-65738584-G-T. GRCh37 (hg19) VCF-style: chrX-64958446-G-T.
Other names: short protein forms K437N.
Identifiers: ClinVar variation 2965161 (VCV002965161.2), dbSNP rs2523021323, ClinGen allele CA413413745.
Genomic context (GRCh38, chrX:65,738,584, plus strand): 5'-GGCCTTGGAAATGGCAGAGCTGACAGCTCGAATCTCCCAGCTGGAGATGGCCCGACAGAA[G>T]AAGGAGAGTGAGGCTGTGGAGTGGCAGCAGAAGGTAAGACACAGGGCCTAAAGCAAAGCA-3'
Protein context (NP_002435.1, residues 427-447): RISQLEMARQ[Lys437Asn]KESEAVEWQQ